The following is an entry in ClinVar:

NM_206933.4(USH2A):c.9642dup (p.Val3215fs)

Gene: USH2A (usherin; minus strand). Cytogenetic location: 1q41.
Variant type: Duplication.
Coding change: c.9642dup on transcript NM_206933.4 (MANE Select); coding-DNA position 9642, one base duplicated (T; older notation c.9642dupT).
Protein change: p.Val3215fs; shifts the reading frame from valine 3215.
Molecular consequence: frameshift variant.
Genome position (GRCh38, 1-based): chr1:215,813,833, A duplicated on the plus strand (T on the coding strand, the reverse complement: USH2A is on the minus strand); the first of 3 consecutive A bases (chr1:215,813,833-215,813,835); duplicating any one gives the same sequence. VCF-style (leftmost placement, unchanged base first): chr1-215813832-C-CA. GRCh37 (hg19) VCF-style: chr1-215987174-C-CA.
Other names: short protein forms V3215fs.
Identifiers: ClinVar variation 2705702 (VCV002705702.3), dbSNP rs2464509489, ClinGen allele CA2697554947.

ClinVar aggregate classification (germline): Pathogenic (1 of 4 stars; one submission).

Submission:

Labcorp Genetics (formerly Invitae), Labcorp
Classification: Pathogenic. Last evaluated: 2023-06-09. Review status: criteria provided, single submitter. Criteria: Invitae Variant Classification Sherloc (09022015). Collection method: clinical testing. Allele origin: germline.
Comment: For these reasons, this variant has been classified as Pathogenic. This variant has not been reported in the literature in individuals affected with USH2A-related conditions. This variant is not present in population databases (gnomAD no frequency). This sequence change creates a premature translational stop signal (p.Val3215Cysfs*29) in the USH2A gene. It is expected to result in an absent or disrupted protein product. Loss-of-function variants in USH2A are known to be pathogenic (PMID: 10729113, 10909849, 20507924, 25649381).

Literature cited by the submitters: PubMed 10729113; PubMed 10909849; PubMed 20507924; PubMed 25649381.